The following is an entry in ClinVar:

ClinVar aggregate classification (germline): Uncertain significance. Review status: criteria provided, multiple submitters, no conflicts (2 of 4 stars). 2 submissions from 2 submitters: Uncertain significance (2). Last evaluated 2025-04-11.

Conditions:
Cardiovascular phenotype. Identifiers: MedGen CN230736.

Allele frequency attached by ClinVar (database versions not stated): TOPMed below 0.00001; gnomAD 0.00001.
gnomAD v4.1: 1 of 1,613,776 alleles (0.000062%); highest among the groups gnomAD compares: Admixed American, 0.0017%; no homozygotes.

Submissions (2):

Labcorp Genetics (formerly Invitae), Labcorp
Classification: Uncertain significance. Last evaluated: 2025-04-11. Review status: criteria provided, single submitter. Criteria: Invitae Variant Classification Sherloc (09022015). Collection method: clinical testing. Allele origin: germline.
Comment: This sequence change replaces cysteine, which is neutral and slightly polar, with serine, which is neutral and polar, at codon 1674 of the ALPK3 protein (p.Cys1674Ser). This variant is not present in population databases (gnomAD no frequency). This variant has not been reported in the literature in individuals affected with ALPK3-related conditions. ClinVar contains an entry for this variant (Variation ID: 2784999). Invitae Evidence Modeling of protein sequence and biophysical properties (such as structural, functional, and spatial information, amino acid conservation, physicochemical variation, residue mobility, and thermodynamic stability) indicates that this missense variant is expected to disrupt ALPK3 protein function with a positive predictive value of 80%. In summary, the available evidence is currently insufficient to determine the role of this variant in disease. Therefore, it has been classified as a Variant of Uncertain Significance.

Molecular Diagnostic Laboratory for Inherited Cardiovascular Disease, Montreal Heart Institute
Classification: Uncertain significance for Cardiovascular phenotype. Last evaluated: 2025-04-09. Review status: criteria provided, single submitter. Criteria: ACMG Guidelines, 2015. Collection method: clinical testing. Allele origin: germline. Affected: yes.

NM_020778.5(ALPK3):c.4415G>C (p.Cys1472Ser)

Gene: ALPK3 (alpha kinase 3; plus strand). Cytogenetic location: 15q25.3.
Variant type: single nucleotide variant.
Coding change: c.4415G>C on transcript NM_020778.5 (MANE Select); coding-DNA position 4415, G replaced by C.
Protein change: p.Cys1472Ser; replaces cysteine 1472 with serine.
Molecular consequence: missense variant.
Genome position (GRCh38, 1-based): chr15:84,863,556, G>C. VCF-style: chr15-84863556-G-C. GRCh37 (hg19) VCF-style: chr15-85406787-G-C.
Other names: c.5021G>C (NM_020778.4); short protein forms C1472S.
Identifiers: ClinVar variation 2784999 (VCV002784999.4), dbSNP rs1963971755, ClinGen allele CA393363617.
Genomic context (GRCh38, chr15:84,863,556, plus strand): 5'-ACAGTGGAGGACTGAGGAATTTCTTTGCTCACCACATTTGGTTCCCTCATCCACAGGGGT[G>C]CAAGATCCAGAACATGAGTCGGGAGTACTGCAAAATCTTCGCAGCAGAAGCCCGGGCCGC-3'
Protein context (NP_065829.4, residues 1462-1482): GRNYDVTIQG[Cys1472Ser]KIQNMSREYC